The following is an entry in ClinVar:

ClinVar aggregate classification (germline): Uncertain significance. Review status: criteria provided, multiple submitters, no conflicts (2 of 4 stars). 2 submissions from 2 submitters: Uncertain significance (2). Last evaluated 2025-09-03.

Allele frequency attached by ClinVar (database versions not stated): gnomAD 0.00002; TOPMed 0.00004; ExAC 0.00007.
gnomAD v4.1: 75 of 1,613,634 alleles (0.0046%); highest among the groups gnomAD compares: Admixed American, 0.042%; no homozygotes.

Submissions (2):

Labcorp Genetics (formerly Invitae), Labcorp
Classification: Uncertain significance. Last evaluated: 2025-09-03. Review status: criteria provided, single submitter. Criteria: Invitae Variant Classification Sherloc (09022015). Collection method: clinical testing. Allele origin: germline.
Comment: This sequence change replaces glycine, which is neutral and non-polar, with serine, which is neutral and polar, at codon 1291 of the KANK1 protein (p.Gly1291Ser). This variant is present in population databases (rs764155090, gnomAD 0.06%), and has an allele count higher than expected for a pathogenic variant. This variant has not been reported in the literature in individuals affected with KANK1-related conditions. ClinVar contains an entry for this variant (Variation ID: 2041480). An algorithm developed to predict the effect of missense changes on protein structure and function (PolyPhen-2) suggests that this variant is likely to be disruptive. In summary, the available evidence is currently insufficient to determine the role of this variant in disease. Therefore, it has been classified as a Variant of Uncertain Significance.

Ambry Genetics
Classification: Uncertain significance. Last evaluated: 2022-12-01. Review status: criteria provided, single submitter. Criteria: Ambry Variant Classification Scheme 2023. Collection method: clinical testing. Allele origin: germline.

NM_015158.5(KANK1):c.3871G>A (p.Gly1291Ser)

Gene: KANK1 (KN motif and ankyrin repeat domains 1; plus strand). Cytogenetic location: 9p24.3.
Variant type: single nucleotide variant.
Coding change: c.3871G>A on transcript NM_015158.5 (MANE Select); coding-DNA position 3871, G replaced by A.
Protein change: p.Gly1291Ser; replaces glycine 1291 with serine.
Molecular consequence: missense variant. On other transcripts: non-coding transcript variant (1).
Genome position (GRCh38, 1-based): chr9:742,379, G>A. VCF-style: chr9-742379-G-A. GRCh37 (hg19) VCF-style: chr9-742379-G-A.
Other names: c.3871G>A, p.Gly1291Ser (NM_001256876.3, NM_001256877.3, NM_001354334.2); c.3631G>A, p.Gly1211Ser (NM_001354331.2); c.3817G>A, p.Gly1273Ser (NM_001354332.2); c.3397G>A, p.Gly1133Ser (NM_001354333.2, NM_001354335.2, NM_001354337.2 and 2 more transcripts); c.3103G>A, p.Gly1035Ser (NM_001354336.2); c.3343G>A, p.Gly1115Ser (NM_001354338.2, NM_001354340.2, NM_001354344.2); c.3157G>A, p.Gly1053Ser (NM_001354339.2, NM_001354342.2, NM_001354343.2); short protein forms G1273S, G1291S, G1133S, G1035S, G1053S, G1115S, G1211S.
Identifiers: ClinVar variation 2041480 (VCV002041480.5), dbSNP rs764155090, ClinGen allele CA4961206.